The following is an entry in ClinVar:

NM_001005337.3(PKP1):c.*1555C>T

Gene: PKP1 (plakophilin 1; plus strand). Cytogenetic location: 1q32.1.
Variant type: single nucleotide variant.
Coding change: c.*1555C>T on transcript NM_001005337.3 (MANE Select); 1555 bases downstream of the stop codon, C replaced by T.
Molecular consequence: 3 prime UTR variant.
Genome position (GRCh38, 1-based): chr1:201,331,596, C>T. VCF-style: chr1-201331596-C-T. GRCh37 (hg19) VCF-style: chr1-201300724-C-T.
Other names: c.*1555C>T (NM_000299.4).
Identifiers: ClinVar variation 294867 (VCV000294867.5), dbSNP rs12564605, ClinGen allele CA10609399.

ClinVar aggregate classification (germline): Likely benign (1 of 4 stars; one submission).

Conditions:
Epidermolysis bullosa simplex due to plakophilin deficiency. Also called: MCGRATH SYNDROME. Identifiers: Orphanet 158668, MedGen C1858302, MONDO:0011472, OMIM 604536.

Allele frequency attached by ClinVar (database versions not stated): gnomAD 0.00046 and 0.00065; TOPMed 0.00062; 1000 Genomes Project 30x 0.00219; 1000 Genomes Project 0.00280.

Submission:

Illumina Laboratory Services, Illumina
Classification: Likely benign for Epidermolysis bullosa simplex due to plakophilin deficiency. Last evaluated: 2018-01-13. Review status: criteria provided, single submitter. Criteria: ICSL Variant Classification Criteria 13 December 2019. Collection method: clinical testing. Allele origin: germline.
Comment: This variant was observed in the ICSL laboratory as part of a predisposition screen in an ostensibly healthy population. It had not been previously curated by ICSL or reported in the Human Gene Mutation Database (HGMD: prior to June 1st, 2018), and was therefore a candidate for classification through an automated scoring system. Utilizing variant allele frequency, disease prevalence and penetrance estimates, and inheritance mode, an automated score was calculated to assess if this variant is too frequent to cause the disease. Based on the score and internal cut-off values, a variant classified as likely benign is not then subjected to further curation. The score for this variant resulted in a classification of likely benign for this disease.